The following is an entry in ClinVar:

ClinVar aggregate classification (germline): Pathogenic (1 of 4 stars; one submission).

Conditions:
Hereditary cancer-predisposing syndrome. Also called: Hereditary neoplastic syndrome; Tumor predisposition; Hereditary Cancer Syndrome; Neoplastic Syndromes, Hereditary. Identifiers: Orphanet 140162, MedGen C0027672, MeSH D009386, MONDO:0015356.

Submission:

Color Diagnostics, LLC DBA Color Health
Classification: Pathogenic for Hereditary cancer-predisposing syndrome. Last evaluated: 2022-02-23. Review status: criteria provided, single submitter. Criteria: ACMG Guidelines, 2015. Collection method: clinical testing. Allele origin: germline.
Comment: This variant deletes 8 nucleotides in exon 15 of the BRCA2 gene, creating a frameshift and premature translation stop signal. This variant is expected to result in an absent or non-functional protein product. This variant is also known as 7732del8 based on Breast Cancer Information Core (BIC) nomenclature. To our knowledge, this variant has not been reported in individuals affected with hereditary cancer in the literature. This variant has not been identified in the general population by the Genome Aggregation Database (gnomAD). Loss of BRCA2 function is a known mechanism of disease. Based on the available evidence, this variant is classified as Pathogenic.

NM_000059.4(BRCA2):c.7504_7511del (p.Arg2502fs)

Gene: BRCA2 (BRCA2 DNA repair associated; plus strand). Cytogenetic location: 13q13.1.
Variant type: Deletion.
Coding change: c.7504_7511del on transcript NM_000059.4 (MANE Select); coding-DNA positions 7504 to 7511, 8 bases deleted (CGCGTCTT; older notation c.7504_7511delCGCGTCTT).
Protein change: p.Arg2502fs; shifts the reading frame from arginine 2502.
Molecular consequence: frameshift variant.
Genome position (GRCh38, 1-based): chr13:32,356,496-32,356,503, CGCGTCTT deleted. VCF-style (leftmost placement, unchanged base first): chr13-32356495-ACGCGTCTT-A. GRCh37 (hg19) VCF-style: chr13-32930632-ACGCGTCTT-A.
Other names: c.7504_7511delCGCGTCTT (NM_000059.3); short protein forms R2502fs.
Identifiers: ClinVar variation 491324 (VCV000491324.5), dbSNP rs1555286255, ClinGen allele CA658683850.